The following is an entry in ClinVar:

NM_004304.5(ALK):c.4013T>C (p.Val1338Ala)

Gene: ALK (ALK receptor tyrosine kinase; minus strand). Cytogenetic location: 2p23.2.
Variant type: single nucleotide variant.
Coding change: c.4013T>C on transcript NM_004304.5 (MANE Select); coding-DNA position 4013, T replaced by C.
Protein change: p.Val1338Ala; replaces valine 1338 with alanine.
Molecular consequence: missense variant.
Genome position (GRCh38, 1-based): chr2:29,197,602, A>G on the plus strand (T>C on the coding strand, the complement: ALK is on the minus strand). VCF-style: chr2-29197602-A-G. GRCh37 (hg19) VCF-style: chr2-29420468-A-G.
Other names: c.809T>C, p.Val270Ala (NM_001353765.2); short protein forms V1338A, V270A.
Identifiers: ClinVar variation 4271942 (VCV004271942.1).

ClinVar aggregate classification (germline): Uncertain significance (1 of 4 stars; one submission).

Conditions:
Hereditary cancer-predisposing syndrome. Also called: Hereditary Cancer Syndrome; Hereditary neoplastic syndrome; Neoplastic Syndromes, Hereditary; Tumor predisposition. Identifiers: Orphanet 140162, MedGen C0027672, MeSH D009386, MONDO:0015356.

Submission:

Ambry Genetics
Classification: Uncertain significance for Hereditary cancer-predisposing syndrome. Last evaluated: 2025-08-20. Review status: criteria provided, single submitter. Criteria: Ambry Variant Classification Scheme 2023. Collection method: clinical testing. Allele origin: germline.
Comment: The p.V1338A variant (also known as c.4013T>C), located in coding exon 27 of the ALK gene, results from a T to C substitution at nucleotide position 4013. The valine at codon 1338 is replaced by alanine, an amino acid with similar properties. This amino acid position is conserved. In addition, this alteration is predicted to be deleterious by in silico analysis. Based on the available evidence, the clinical significance of this variant remains unclear.